The following is an entry in ClinVar:

ClinVar aggregate classification (germline): Uncertain significance (1 of 4 stars; one submission).

Allele frequency attached by ClinVar (database versions not stated): TOPMed 0.00001.
gnomAD v4.1: 4 of 1,613,156 alleles (0.00025%); highest among the groups gnomAD compares: Admixed American, 0.0033%; no homozygotes.

Submission:

Labcorp Genetics (formerly Invitae), Labcorp
Classification: Uncertain significance. Last evaluated: 2022-09-27. Review status: criteria provided, single submitter. Criteria: Invitae Variant Classification Sherloc (09022015). Collection method: clinical testing. Allele origin: germline.
Comment: This sequence change replaces isoleucine, which is neutral and non-polar, with threonine, which is neutral and polar, at codon 863 of the WFS1 protein (p.Ile863Thr). This variant is present in population databases (no rsID available, gnomAD 0.003%). This variant has not been reported in the literature in individuals affected with WFS1-related conditions. Advanced modeling of protein sequence and biophysical properties (such as structural, functional, and spatial information, amino acid conservation, physicochemical variation, residue mobility, and thermodynamic stability) has been performed at Invitae for this missense variant, however the output from this modeling did not meet the statistical confidence thresholds required to predict the impact of this variant on WFS1 protein function. In summary, the available evidence is currently insufficient to determine the role of this variant in disease. Therefore, it has been classified as a Variant of Uncertain Significance.

NM_006005.3(WFS1):c.2588T>C (p.Ile863Thr)

Gene: WFS1 (wolframin ER transmembrane glycoprotein; plus strand). Cytogenetic location: 4p16.1.
Variant type: single nucleotide variant.
Coding change: c.2588T>C on transcript NM_006005.3 (MANE Select); coding-DNA position 2588, T replaced by C.
Protein change: p.Ile863Thr; replaces isoleucine 863 with threonine.
Molecular consequence: missense variant.
Genome position (GRCh38, 1-based): chr4:6,302,383, T>C. VCF-style: chr4-6302383-T-C. GRCh37 (hg19) VCF-style: chr4-6304110-T-C.
Other names: c.2588T>C, p.Ile863Thr (NM_001145853.1); short protein forms I863T.
Identifiers: ClinVar variation 1939137 (VCV001939137.5), dbSNP rs1023485906, ClinGen allele CA91797851.
Genomic context (GRCh38, chr4:6,302,383, plus strand): 5'-AGGCCATCAGCTGCCTCAACTGCATGGCCCAGCTCTCACCCACCAGGCGGCACGTGAAGA[T>C]CGAGCACGACTGGCGCAGCACCGTGCATGGCGCCGTGAAGTTCGCCTTCGACTTCTTTTT-3'
Protein context (NP_005996.2, residues 853-873): QLSPTRRHVK[Ile863Thr]EHDWRSTVHG